The following is an entry in ClinVar:

NM_004380.3(CREBBP):c.3176_3187del (p.Val1059_Glu1062del)

Gene: CREBBP (CREB binding protein; minus strand). Cytogenetic location: 16p13.3.
Variant type: Deletion.
Coding change: c.3176_3187del on transcript NM_004380.3 (MANE Select); coding-DNA positions 3176 to 3187, 12 bases deleted (TTAAAGAGGAAG).
Protein change: p.Val1059_Glu1062del.
Molecular consequence: inframe deletion.
Genome position (GRCh38, 1-based): chr16:3,767,783-3,767,794, CTTCCTCTTTAA deleted on the plus strand (TTAAAGAGGAAG on the coding strand, the reverse complement: CREBBP is on the minus strand); deleting any 12 consecutive bases within chr16:3,767,783-3,767,798 gives the same sequence; the c. name uses the placement nearest the transcript's 3' end. VCF-style (leftmost placement, unchanged base first): chr16-3767782-TCTTCCTCTTTAA-T. GRCh37 (hg19) VCF-style: chr16-3817783-TCTTCCTCTTTAA-T.
Other names: c.3062_3073del, p.Val1021_Glu1024del (NM_001079846.1).
Identifiers: ClinVar variation 1315446 (VCV001315446.2), dbSNP rs2141182129, ClinGen allele CA2573054227.

ClinVar aggregate classification (germline): Uncertain significance (1 of 4 stars; one submission).

Submission:

GeneDx
Classification: Uncertain significance. Last evaluated: 2020-01-18. Review status: criteria provided, single submitter. Criteria: GeneDx Variant Classification Process June 2021. Collection method: clinical testing. Allele origin: germline. Affected: yes.
Comment: In-frame deletion of 4 amino acids in a non-repeat region; In silico analysis, which includes protein predictors and evolutionary conservation, supports a deleterious effect; Not observed in large population cohorts (Lek et al., 2016); Has not been previously published as pathogenic or benign to our knowledge